The following is an entry in ClinVar:

NM_005263.5(GFI1):c.493G>A (p.Ala165Thr)

Gene: GFI1 (growth factor independent 1 transcriptional repressor; minus strand). Cytogenetic location: 1p22.1.
Variant type: single nucleotide variant.
Coding change: c.493G>A on transcript NM_005263.5 (MANE Select); coding-DNA position 493, G replaced by A.
Protein change: p.Ala165Thr; replaces alanine 165 with threonine.
Molecular consequence: missense variant.
Genome position (GRCh38, 1-based): chr1:92,480,894, C>T on the plus strand (G>A on the coding strand, the complement: GFI1 is on the minus strand). VCF-style: chr1-92480894-C-T. GRCh37 (hg19) VCF-style: chr1-92946451-C-T.
Other names: c.493G>A, p.Ala165Thr (NM_001127215.3, NM_001127216.3); short protein forms A165T.
Identifiers: ClinVar variation 3853686 (VCV003853686.1).

ClinVar aggregate classification (germline): Uncertain significance (1 of 4 stars; one submission).

Submission:

Ambry Genetics
Classification: Uncertain significance. Last evaluated: 2025-01-14. Review status: criteria provided, single submitter. Criteria: Ambry Variant Classification Scheme 2023. Collection method: clinical testing. Allele origin: germline.
Comment: The p.A165T variant (also known as c.493G>A), located in coding exon 3 of the GFI1 gene, results from a G to A substitution at nucleotide position 493. The alanine at codon 165 is replaced by threonine, an amino acid with similar properties. This amino acid position is conserved. In addition, this alteration is predicted to be tolerated by in silico analysis. Based on the available evidence, the clinical significance of this variant remains unclear.